The following is an entry in ClinVar:

ClinVar aggregate classification (germline): Likely pathogenic (1 of 4 stars; one submission).

Conditions:
MKKS-related disorder. Also called: MKKS-related disorders; MKKS-related condition.

Submission:

PreventionGenetics, part of Exact Sciences
Classification: Likely pathogenic for MKKS-related condition. Last evaluated: 2025-03-20. Review status: criteria provided, single submitter. Criteria: ACMG Guidelines, 2015. Collection method: clinical testing. Allele origin: germline.
Comment: The MKKS c.1214G>A variant is predicted to result in premature protein termination (p.Trp405*). To our knowledge, this variant has not been reported in the literature or in a large population database (gnomAD), indicating this variant is rare. Nonsense variants in MKKS are expected to be pathogenic. This variant is interpreted as likely pathogenic.

NM_170784.3(MKKS):c.1214G>A (p.Trp405Ter)

Gene: MKKS (MKKS centrosomal shuttling protein; minus strand). Cytogenetic location: 20p12.2.
Variant type: single nucleotide variant.
Coding change: c.1214G>A on transcript NM_170784.3 (MANE Select); coding-DNA position 1214, G replaced by A.
Protein change: p.Trp405Ter; replaces tryptophan 405 with a stop codon.
Molecular consequence: nonsense. On other transcripts: non-coding transcript variant (1).
Genome position (GRCh38, 1-based): chr20:10,407,674, C>T on the plus strand (G>A on the coding strand, the complement: MKKS is on the minus strand). VCF-style: chr20-10407674-C-T. GRCh37 (hg19) VCF-style: chr20-10388322-C-T.
Other names: c.1214G>A, p.Trp405Ter (NM_018848.3); short protein forms W405*.
Identifiers: ClinVar variation 5002180 (VCV005002180.1).